The following is an entry in ClinVar:

ClinVar aggregate classification (germline): Uncertain significance (1 of 4 stars; one submission).

Conditions:
Short-rib thoracic dysplasia 6 with or without polydactyly (SRTD6). Also called: POLYDACTYLY WITH NEONATAL CHONDRODYSTROPHY, TYPE II; Majewski Syndrome; SHORT RIB-POLYDACTYLY SYNDROME, TYPE IIA; SHORT-RIB THORACIC DYSPLASIA 6 WITH POLYDACTYLY; SHORT-RIB THORACIC DYSPLASIA 6 WITHOUT POLYDACTYLY. Identifiers: MedGen C0024507, MONDO:0009894, OMIM 263520.

Submission:

Labcorp Genetics (formerly Invitae), Labcorp
Classification: Uncertain significance for Short-rib thoracic dysplasia 6 with or without polydactyly. Last evaluated: 2024-10-12. Review status: criteria provided, single submitter. Criteria: Invitae Variant Classification Sherloc (09022015). Collection method: clinical testing. Allele origin: germline.
Comment: This sequence change replaces lysine, which is basic and polar, with glutamic acid, which is acidic and polar, at codon 347 of the NEK1 protein (p.Lys347Glu). This variant is not present in population databases (gnomAD no frequency). This variant has not been reported in the literature in individuals affected with NEK1-related conditions. Invitae Evidence Modeling of protein sequence and biophysical properties (such as structural, functional, and spatial information, amino acid conservation, physicochemical variation, residue mobility, and thermodynamic stability) indicates that this missense variant is not expected to disrupt NEK1 protein function with a negative predictive value of 95%. In summary, the available evidence is currently insufficient to determine the role of this variant in disease. Therefore, it has been classified as a Variant of Uncertain Significance.

NM_001199397.3(NEK1):c.1039A>G (p.Lys347Glu)

Gene: NEK1 (NIMA related kinase 1; minus strand). Cytogenetic location: 4q33.
Variant type: single nucleotide variant.
Coding change: c.1039A>G on transcript NM_001199397.3 (MANE Select); coding-DNA position 1039, A replaced by G.
Protein change: p.Lys347Glu; replaces lysine 347 with glutamic acid.
Molecular consequence: missense variant. On other transcripts: non-coding transcript variant (2).
Genome position (GRCh38, 1-based): chr4:169,562,178, T>C on the plus strand (A>G on the coding strand, the complement: NEK1 is on the minus strand). VCF-style: chr4-169562178-T-C. GRCh37 (hg19) VCF-style: chr4-170483329-T-C.
Other names: c.1039A>G, p.Lys347Glu (NM_001199398.3, NM_001199399.3, NM_001199400.3 and 7 more transcripts); short protein forms K347E.
Identifiers: ClinVar variation 3637040 (VCV003637040.2).